The following is an entry in ClinVar:

NC_000016.10:g.(?_23626226)_(23630479_?)del

Gene: PALB2 (partner and localizer of BRCA2; minus strand). Cytogenetic location: 16p12.2.
Variant type: Deletion.
Identifiers: ClinVar variation 584006 (VCV000584006.5).

ClinVar aggregate classification (germline): Pathogenic (1 of 4 stars; one submission).

Conditions:
Familial cancer of breast. Also called: Hereditary breast cancer; hereditary breast carcinoma; BREAST CANCER, FAMILIAL. Identifiers: Orphanet 227535, MedGen C0346153, MONDO:0016419, OMIM 114480. Disease mechanism: loss of function.

Submission:

Labcorp Genetics (formerly Invitae), Labcorp
Classification: Pathogenic for Familial cancer of breast. Last evaluated: 2018-04-03. Review status: criteria provided, single submitter. Criteria: Invitae Variant Classification Sherloc (09022015). Collection method: clinical testing. Allele origin: germline.
Comment: This variant is an out-of-frame deletion of the genomic region encompassing exons 5-7 of the PALB2 gene. This is expected to create a premature translational stop signal and result in an absent or disrupted protein product. Similar deletions of exons 5-7 have not been reported in the literature in individuals with PALB2-related disease. ClinVar contains an entry for a similar deletion (Variation ID: 417516). Loss-of-function variants in PALB2 are known to be pathogenic (PMID: 17200668, 24136930, 25099575). For these reasons, this variant has been classified as Pathogenic.

Literature cited by the submitters: PubMed 17200668; PubMed 24136930; PubMed 25099575.